The following is an entry in ClinVar:

NM_001256012.3(MYH10):c.1310C>T (p.Ala437Val)

Gene: MYH10 (myosin heavy chain 10; minus strand). Cytogenetic location: 17p13.1.
Variant type: single nucleotide variant.
Coding change: c.1310C>T on transcript NM_001256012.3 (MANE Select); coding-DNA position 1310, C replaced by T.
Protein change: p.Ala437Val; replaces alanine 437 with valine.
Molecular consequence: missense variant.
Genome position (GRCh38, 1-based): chr17:8,545,569, G>A on the plus strand (C>T on the coding strand, the complement: MYH10 is on the minus strand). VCF-style: chr17-8545569-G-A. GRCh37 (hg19) VCF-style: chr17-8448887-G-A.
Other names: c.1307C>T, p.Ala436Val (NM_001256095.2); c.1310C>T, p.Ala437Val (NM_001375266.1); c.1280C>T, p.Ala427Val (NM_005964.5); short protein forms A427V, A436V, A437V.
Identifiers: ClinVar variation 5037060 (VCV005037060.1).

ClinVar aggregate classification (germline): Uncertain significance (1 of 4 stars; one submission).

gnomAD v4.1: 2 of 1,613,640 alleles (0.00012%); highest among the groups gnomAD compares: Middle Eastern, 0.016%; no homozygotes.

Submission:

GeneDx
Classification: Uncertain significance. Last evaluated: 2026-04-19. Review status: criteria provided, single submitter. Criteria: GeneDx Variant Classification Process June 2021. Collection method: clinical testing. Allele origin: germline.
Comment: Not observed at significant frequency in large population cohorts (gnomAD); In silico analysis supports that this missense variant has a deleterious effect on protein structure/function; Has not been previously published as pathogenic or benign to our knowledge